The following is an entry in ClinVar:

ClinVar aggregate classification (germline): Likely pathogenic (1 of 4 stars; one submission).

Conditions:
Inborn genetic diseases. Identifiers: MedGen C0950123, MeSH D030342.

Submission:

Ambry Genetics
Classification: Likely pathogenic for Hereditary disease. Last evaluated: 2017-03-09. Review status: criteria provided, single submitter. Criteria: ambry_reporting_categories_2017. Collection method: clinical testing. Allele origin: germline. Affected: yes. Observed: 1 heterozygote. Segregation with disease observed.
Comment: Lines of evidence used in support of classification: LIKELY POSITIVE: Relevant Alteration(s) Detected

Literature cited by the submitters: PubMed 22581936; PubMed 17436254; PubMed 20825314; PubMed 17478476; PubMed 19235238; PubMed 18627065; PubMed 21533127; PubMed 21671391; PubMed 22678594; PubMed 21245398; PubMed 19938247; PubMed 22460224; PubMed 18081026; PubMed 22045651; PubMed 17436255; PubMed 18728071; PubMed 23185296; PubMed 22712893; PubMed 22335494; PubMed 27072915; PubMed 26087656; PubMed 28807867.

NM_001083962.2(TCF4):c.1772_1776delinsCT (p.Leu591_Gly592delinsPro)

Gene: TCF4 (transcription factor 4; minus strand). Cytogenetic location: 18q21.2.
Variant type: Indel.
Coding change: c.1772_1776delinsCT on transcript NM_001083962.2 (MANE Select); coding-DNA positions 1772 to 1776, TCGGC replaced by CT.
Protein change: p.Leu591_Gly592delinsPro.
Molecular consequence: inframe indel.
Genome position (GRCh38, 1-based): chr18:55,228,950-55,228,954, GCCGA replaced by AG on the plus strand (TCGGC replaced by CT on the coding strand, the reverse complement: TCF4 is on the minus strand). VCF-style: chr18-55228950-GCCGA-AG. GRCh37 (hg19) VCF-style: chr18-52896181-GCCGA-AG.
Other names: c.2078_2082delinsCT, p.Leu693_Gly694delinsPro (NM_001243226.3); c.1700_1704delinsCT, p.Leu567_Gly568delinsPro (NM_001243227.2, NM_001348217.1, NM_001348218.2 and 1 more transcripts); c.1790_1794delinsCT, p.Leu597_Gly598delinsPro (NM_001243228.2); c.1751_1755delinsCT, p.Leu584_Gly585delinsPro (NM_001243230.2); c.1634_1638delinsCT, p.Leu545_Gly546delinsPro (NM_001243231.2); c.1559_1563delinsCT, p.Leu520_Gly521delinsPro (NM_001243232.1); c.1370_1374delinsCT, p.Leu457_Gly458delinsPro (NM_001243233.2, NM_001348212.2); c.1292_1296delinsCT, p.Leu431_Gly432delinsPro (NM_001243234.2, NM_001348216.2); and 14 more.
Identifiers: ClinVar variation 520970 (VCV000520970.3), dbSNP rs1555710416, ClinGen allele CA658799066.